The following is an entry in ClinVar:

NM_015937.6(PIGT):c.573G>T (p.Lys191Asn)

Gene: PIGT (phosphatidylinositol glycan anchor biosynthesis class T; plus strand). Cytogenetic location: 20q13.12.
Variant type: single nucleotide variant.
Coding change: c.573G>T on transcript NM_015937.6 (MANE Select); coding-DNA position 573, G replaced by T.
Protein change: p.Lys191Asn; replaces lysine 191 with asparagine.
Molecular consequence: missense variant. On other transcripts: non-coding transcript variant (3).
Genome position (GRCh38, 1-based): chr20:45,419,374, G>T. VCF-style: chr20-45419374-G-T. GRCh37 (hg19) VCF-style: chr20-44048014-G-T.
Other names: c.405G>T, p.Lys135Asn (NM_001184728.3); c.573G>T, p.Lys191Asn (NM_001184729.3); c.267G>T, p.Lys89Asn (NM_001184730.3); short protein forms K135N, K191N, K89N.
Identifiers: ClinVar variation 3391654 (VCV003391654.1).

ClinVar aggregate classification (germline): Uncertain significance (1 of 4 stars; one submission).

gnomAD v4.1: 31 of 1,613,948 alleles (0.0019%); highest among the groups gnomAD compares: Non-Finnish European, 0.0026%; no homozygotes.

Submission:

GeneDx
Classification: Uncertain significance. Last evaluated: 2024-06-23. Review status: criteria provided, single submitter. Criteria: GeneDx Variant Classification Process June 2021. Collection method: clinical testing. Allele origin: germline. Affected: yes.
Comment: Not observed at significant frequency in large population cohorts (gnomAD); In silico analysis supports that this missense variant has a deleterious effect on protein structure/function; Has not been previously published as pathogenic or benign to our knowledge